The following is an entry in ClinVar:

ClinVar aggregate classification (germline): Uncertain significance (1 of 4 stars; one submission).

Conditions:
Succinate-semialdehyde dehydrogenase deficiency (SSADHD). Also called: GABA METABOLIC DEFECT; Succinic Semialdehyde Dehydrogenase Deficiency; SSADH DEFICIENCY; 4-HYDROXYBUTYRIC ACIDURIA. Identifiers: Orphanet 22, MedGen C0268631, MONDO:0010083, OMIM 271980.

Submission:

Labcorp Genetics (formerly Invitae), Labcorp
Classification: Uncertain significance for Succinate-semialdehyde dehydrogenase deficiency. Last evaluated: 2021-12-02. Review status: criteria provided, single submitter. Criteria: Invitae Variant Classification Sherloc (09022015). Collection method: clinical testing. Allele origin: germline.
Comment: This sequence change replaces asparagine, which is neutral and polar, with histidine, which is basic and polar, at codon 255 of the ALDH5A1 protein (p.Asn255His). This variant is not present in population databases (gnomAD no frequency). This variant has not been reported in the literature in individuals affected with ALDH5A1-related conditions. Advanced modeling of protein sequence and biophysical properties (such as structural, functional, and spatial information, amino acid conservation, physicochemical variation, residue mobility, and thermodynamic stability) performed at Invitae indicates that this missense variant is expected to disrupt ALDH5A1 protein function. In summary, the available evidence is currently insufficient to determine the role of this variant in disease. Therefore, it has been classified as a Variant of Uncertain Significance.

NM_001080.3(ALDH5A1):c.763A>C (p.Asn255His)

Gene: ALDH5A1 (aldehyde dehydrogenase 5 family member A1; plus strand). Cytogenetic location: 6p22.3.
Variant type: single nucleotide variant.
Coding change: c.763A>C on transcript NM_001080.3 (MANE Select); coding-DNA position 763, A replaced by C.
Protein change: p.Asn255His; replaces asparagine 255 with histidine.
Molecular consequence: missense variant. On other transcripts: intron variant (1).
Genome position (GRCh38, 1-based): chr6:24,515,203, A>C. VCF-style: chr6-24515203-A-C. GRCh37 (hg19) VCF-style: chr6-24515431-A-C.
Other names: c.802A>C, p.Asn268His (NM_170740.1); c.727-5198A>C (NM_001368954.1); short protein forms N268H, N255H.
Identifiers: ClinVar variation 1509973 (VCV001509973.6), dbSNP rs2127385854, ClinGen allele CA362971608.
Genomic context (GRCh38, chr6:24,515,203, plus strand): 5'-CATGTTTGCTGTTTCTCTTTATAGCTTGCAAGCCAGGCTGGGATTCCTTCAGGTGTATAC[A>C]ATGTTATTCCCTGTTCTCGAAAGAATGCCAAGGAAGTAGGGGAGGCAATTTGTACTGATC-3'
Protein context (NP_001071.1, residues 245-265): SQAGIPSGVY[Asn255His]VIPCSRKNAK